The following is an entry in ClinVar:

NM_000465.4(BARD1):c.1872T>G (p.Ile624Met)

Gene: BARD1 (BRCA1 associated RING domain 1; minus strand). Cytogenetic location: 2q35.
Variant type: single nucleotide variant.
Coding change: c.1872T>G on transcript NM_000465.4 (MANE Select); coding-DNA position 1872, T replaced by G.
Protein change: p.Ile624Met; replaces isoleucine 624 with methionine.
Molecular consequence: missense variant. On other transcripts: non-coding transcript variant (3), intron variant (1).
Genome position (GRCh38, 1-based): chr2:214,745,098, A>C on the plus strand (T>G on the coding strand, the complement: BARD1 is on the minus strand). VCF-style: chr2-214745098-A-C. GRCh37 (hg19) VCF-style: chr2-215609822-A-C.
Other names: c.1815T>G, p.Ile605Met (NM_001282543.2); c.519T>G, p.Ile173Met (NM_001282545.2); c.462T>G, p.Ile154Met (NM_001282548.2); c.365-14590T>G (NM_001282549.2); short protein forms I173M, I605M, I154M, I624M.
Identifiers: ClinVar variation 3659113 (VCV003659113.2).

ClinVar aggregate classification (germline): Uncertain significance (1 of 4 stars; one submission).

Conditions:
Familial cancer of breast. Also called: Hereditary breast cancer; hereditary breast carcinoma; BREAST CANCER, FAMILIAL. Identifiers: Orphanet 227535, MedGen C0346153, MONDO:0016419, OMIM 114480. Disease mechanism: loss of function.

Submission:

Labcorp Genetics (formerly Invitae), Labcorp
Classification: Uncertain significance for Familial cancer of breast. Last evaluated: 2024-07-10. Review status: criteria provided, single submitter. Criteria: Invitae Variant Classification Sherloc (09022015). Collection method: clinical testing. Allele origin: germline.
Comment: This sequence change replaces isoleucine, which is neutral and non-polar, with methionine, which is neutral and non-polar, at codon 624 of the BARD1 protein (p.Ile624Met). This variant is not present in population databases (gnomAD no frequency). This variant has not been reported in the literature in individuals affected with BARD1-related conditions. An algorithm developed to predict the effect of missense changes on protein structure and function (PolyPhen-2) suggests that this variant is likely to be disruptive. In summary, the available evidence is currently insufficient to determine the role of this variant in disease. Therefore, it has been classified as a Variant of Uncertain Significance.